The following is an entry in ClinVar:

NM_080647.1(TBX1):c.34+6C>T

Gene: TBX1 (T-box transcription factor 1; plus strand). Cytogenetic location: 22q11.21.
Variant type: single nucleotide variant.
Coding change: c.34+6C>T on transcript NM_080647.1; 6 bases into the intron after coding-DNA position 34, C replaced by T.
Molecular consequence: intron variant.
Genome position (GRCh38, 1-based): chr22:19,759,683, C>T. VCF-style: chr22-19759683-C-T. GRCh37 (hg19) VCF-style: chr22-19747206-C-T.
Other names: c.34+6C>T (NM_005992.1, NM_080646.2).
Identifiers: ClinVar variation 1018677 (VCV001018677.26), dbSNP rs1263773731, ClinGen allele CA638358026.

ClinVar aggregate classification (germline): Uncertain significance. Review status: criteria provided, multiple submitters, no conflicts (2 of 4 stars). 2 submissions from 2 submitters: Uncertain significance (2). Last evaluated 2026-01-05.

Conditions:
DiGeorge syndrome. Also called: THIRD AND FOURTH PHARYNGEAL POUCH SYNDROME; Catch22. Identifiers: Orphanet 567, MedGen C0012236, MONDO:0008564, OMIM 188400.

Allele frequency attached by ClinVar (database versions not stated): gnomAD exomes below 0.00001; gnomAD 0.00001.
gnomAD v4.1: 7 of 1,612,234 alleles (0.00043%); highest among the groups gnomAD compares: Non-Finnish European, 0.00059%; no homozygotes.

Submissions (2):

Labcorp Genetics (formerly Invitae), Labcorp
Classification: Uncertain significance for DiGeorge syndrome. Last evaluated: 2026-01-05. Review status: criteria provided, single submitter. Criteria: Invitae Variant Classification Sherloc (09022015). Collection method: clinical testing. Allele origin: germline.
Comment: This sequence change falls in intron 2 of the TBX1 gene. It does not directly change the encoded amino acid sequence of the TBX1 protein. It affects a nucleotide within the consensus splice site. This variant is present in population databases (no rsID available, gnomAD 0.01%). This variant has not been reported in the literature in individuals affected with TBX1-related conditions. ClinVar contains an entry for this variant (Variation ID: 1018677). Variants that disrupt the consensus splice site are a relatively common cause of aberrant splicing (PMID: 17576681, 9536098). Algorithms developed to predict the effect of sequence changes on RNA splicing suggest that this variant is not likely to affect RNA splicing. In summary, the available evidence is currently insufficient to determine the role of this variant in disease. Therefore, it has been classified as a Variant of Uncertain Significance.

CeGaT Center for Human Genetics Tuebingen
Classification: Uncertain significance. Last evaluated: 2024-04-01. Review status: criteria provided, single submitter. Criteria: CeGaT Center For Human Genetics Tuebingen Variant Classification Criteria Version 2. Collection method: clinical testing. Allele origin: germline. Affected: yes. Observed: 1 variant allele.
Comment: TBX1: PM2, BP4

Literature cited by the submitters: PubMed 17576681 (cited by Labcorp Genetics (formerly Invitae), Labcorp); PubMed 9536098 (cited by Labcorp Genetics (formerly Invitae), Labcorp).